The following is an entry in ClinVar:

ClinVar aggregate classification (germline): Uncertain significance (1 of 4 stars; one submission).

Conditions:
Charcot-Marie-Tooth disease, type I (CMT1). Also called: Charcot-Marie-Tooth disease type 1; Charcot-Marie-Tooth, Type 1. Identifiers: Orphanet 65753, MedGen C0751036, MONDO:0019011.

Submission:

Labcorp Genetics (formerly Invitae), Labcorp
Classification: Uncertain significance for Charcot-Marie-Tooth disease, type I. Last evaluated: 2024-12-02. Review status: criteria provided, single submitter. Criteria: Invitae Variant Classification Sherloc (09022015). Collection method: clinical testing. Allele origin: germline.
Comment: This sequence change replaces valine, which is neutral and non-polar, with methionine, which is neutral and non-polar, at codon 150 of the MPZ protein (p.Val150Met). This variant also falls at the last nucleotide of exon 3, which is part of the consensus splice site for this exon. This variant is not present in population databases (gnomAD no frequency). This variant has not been reported in the literature in individuals affected with MPZ-related conditions. ClinVar contains an entry for this variant (Variation ID: 580664). An algorithm developed to predict the effect of missense changes on protein structure and function (PolyPhen-2) suggests that this variant is likely to be tolerated. Variants that disrupt the consensus splice site are a relatively common cause of aberrant splicing (PMID: 17576681, 9536098). Algorithms developed to predict the effect of sequence changes on RNA splicing suggest that this variant may disrupt the consensus splice site. In summary, the available evidence is currently insufficient to determine the role of this variant in disease. Therefore, it has been classified as a Variant of Uncertain Significance.

Literature cited by the submitters: PubMed 17576681; PubMed 9536098.

NM_000530.8(MPZ):c.448G>A (p.Val150Met)

Gene: MPZ (myelin protein zero; minus strand). Cytogenetic location: 1q23.3.
Variant type: single nucleotide variant.
Coding change: c.448G>A on transcript NM_000530.8 (MANE Select); coding-DNA position 448, G replaced by A.
Protein change: p.Val150Met; replaces valine 150 with methionine.
Molecular consequence: missense variant.
Genome position (GRCh38, 1-based): chr1:161,306,708, C>T on the plus strand (G>A on the coding strand, the complement: MPZ is on the minus strand). VCF-style: chr1-161306708-C-T. GRCh37 (hg19) VCF-style: chr1-161276498-C-T.
Other names: c.448G>A (LRG_256t1); c.448G>A, p.Val150Met (NM_001315491.2); short protein forms V150M.
Identifiers: ClinVar variation 580664 (VCV000580664.8), dbSNP rs1558153967, ClinGen allele CA343348093.